The following is an entry in ClinVar:

ClinVar aggregate classification (germline): Uncertain significance (1 of 4 stars; one submission).

Conditions:
Cardiovascular phenotype. Identifiers: MedGen CN230736.

gnomAD v4.1: 6 of 1,613,986 alleles (0.00037%); highest among the groups gnomAD compares: African/African-American, 0.0013%; no homozygotes.

Submission:

Ambry Genetics
Classification: Uncertain significance for Cardiovascular phenotype. Last evaluated: 2024-03-17. Review status: criteria provided, single submitter. Criteria: Ambry Variant Classification Scheme 2023. Collection method: clinical testing. Allele origin: germline.
Comment: The p.P3832H variant (also known as c.11495C>A), located in coding exon 43 of the ANK2 gene, results from a C to A substitution at nucleotide position 11495. The proline at codon 3832 is replaced by histidine, an amino acid with similar properties. This amino acid position is conserved. In addition, this alteration is predicted to be tolerated by in silico analysis. Based on the available evidence, the clinical significance of this alteration remains unclear.

NM_001148.6(ANK2):c.11495C>A (p.Pro3832His)

Gene: ANK2 (ankyrin 2; plus strand). Cytogenetic location: 4q26.
Variant type: single nucleotide variant.
Coding change: c.11495C>A on transcript NM_001148.6 (MANE Select); coding-DNA position 11495, C replaced by A.
Protein change: p.Pro3832His; replaces proline 3832 with histidine.
Molecular consequence: missense variant.
Genome position (GRCh38, 1-based): chr4:113,369,690, C>A. VCF-style: chr4-113369690-C-A. GRCh37 (hg19) VCF-style: chr4-114290846-C-A.
Other names: c.5213C>A, p.Pro1738His (NM_001127493.3); c.5252C>A, p.Pro1751His (NM_001354225.2); c.5141C>A, p.Pro1714His (NM_001354228.2, NM_001354258.2); c.5219C>A, p.Pro1740His (NM_001354230.2); c.5282C>A, p.Pro1761His (NM_001354231.2, NM_001354242.2); c.5276C>A, p.Pro1759His (NM_001354232.2); c.5237C>A, p.Pro1746His (NM_001354235.2, NM_001354246.2, NM_001354265.2); c.5138C>A, p.Pro1713His (NM_001354236.2); and 35 more; short protein forms P1672H, P1676H, P1685H, P1689H, P1704H, P1714H, P1725H, P1740H.
Identifiers: ClinVar variation 3294708 (VCV003294708.1).
Genomic context (GRCh38, chr4:113,369,690, plus strand): 5'-TCCAGACCCCAACATCCAGCGAGCGGGGAGGCTCTCCCATCATACAAGAACCCGAAGAGC[C>A]CTCAGAGCACAGAGAGGAGAGCTCTCCGCGGAAAACCAGCCTCGTAATAGTGGAGTCTGC-3'
Protein context (NP_001139.3, residues 3822-3842): GSPIIQEPEE[Pro3832His]SEHREESSPR